The following is an entry in ClinVar:

NM_003803.4(MYOM1):c.2839C>T (p.Arg947Cys)

Gene: MYOM1 (myomesin 1; minus strand). Cytogenetic location: 18p11.31.
Variant type: single nucleotide variant.
Coding change: c.2839C>T on transcript NM_003803.4 (MANE Select); coding-DNA position 2839, C replaced by T.
Protein change: p.Arg947Cys; replaces arginine 947 with cysteine.
Molecular consequence: missense variant.
Genome position (GRCh38, 1-based): chr18:3,126,853, G>A on the plus strand (C>T on the coding strand, the complement: MYOM1 is on the minus strand). VCF-style: chr18-3126853-G-A. GRCh37 (hg19) VCF-style: chr18-3126851-G-A.
Other names: c.2551C>T, p.Arg851Cys (NM_019856.2); short protein forms R851C, R947C.
Identifiers: ClinVar variation 2050659 (VCV002050659.5), dbSNP rs762430543, ClinGen allele CA8874511.
Genomic context (GRCh38, chr18:3,126,853, plus strand): 5'-CAGTAATTTCTGCCCCTCCAATCTTATCTGGTTGCTTCCATCCAAGAACCATTGAGTCAC[G>A]AAAACTTTCAAGACAGGTGATATCACAGGGTGGAGATGGTGGTGCTGTAGCAATATGAAT-3'
Protein context (NP_003794.3, residues 937-957): PCDITCLESF[Arg947Cys]DSMVLGWKQP

ClinVar aggregate classification (germline): Uncertain significance. Review status: criteria provided, multiple submitters, no conflicts (2 of 4 stars). 2 submissions from 2 submitters: Uncertain significance (2). Last evaluated 2025-12-16.

Conditions:
Hypertrophic cardiomyopathy. Also called: HYPERTROPHIC MYOCARDIOPATHY. Identifiers: Orphanet 217569, MedGen C0007194, MeSH D002312, MONDO:0005045, HP:0001639.

Allele frequency attached by ClinVar (database versions not stated): ExAC 0.00001; gnomAD 0.00001; gnomAD exomes 0.00001; TOPMed 0.00001.
gnomAD v4.1: 14 of 1,612,752 alleles (0.00087%); highest among the groups gnomAD compares: East Asian, 0.0067%; no homozygotes.

Submissions (2):

Ambry Genetics
Classification: Uncertain significance. Last evaluated: 2025-12-16. Review status: criteria provided, single submitter. Criteria: Ambry Variant Classification Scheme 2023. Collection method: clinical testing. Allele origin: germline.

Labcorp Genetics (formerly Invitae), Labcorp
Classification: Uncertain significance for Hypertrophic cardiomyopathy. Last evaluated: 2022-06-26. Review status: criteria provided, single submitter. Criteria: Invitae Variant Classification Sherloc (09022015). Collection method: clinical testing. Allele origin: germline.
Comment: Algorithms developed to predict the effect of missense changes on protein structure and function are either unavailable or do not agree on the potential impact of this missense change (SIFT: "Deleterious"; PolyPhen-2: "Probably Damaging"; Align-GVGD: "Class C0"). This variant has not been reported in the literature in individuals affected with MYOM1-related conditions. The frequency data for this variant in the population databases is considered unreliable, as metrics indicate poor data quality at this position in the gnomAD database. This sequence change replaces arginine, which is basic and polar, with cysteine, which is neutral and slightly polar, at codon 947 of the MYOM1 protein (p.Arg947Cys). In summary, the available evidence is currently insufficient to determine the role of this variant in disease. Therefore, it has been classified as a Variant of Uncertain Significance.